The following is an entry in ClinVar:

ClinVar aggregate classification (germline): Likely benign (1 of 4 stars; one submission).

gnomAD v4.1: 50 of 1,613,018 alleles (0.0031%); highest among the groups gnomAD compares: Admixed American, 0.08%; no homozygotes.

Submission:

CeGaT Center for Human Genetics Tuebingen
Classification: Likely benign. Last evaluated: 2026-09-01. Review status: criteria provided, single submitter. Criteria: CeGaT Center For Human Genetics Tuebingen Variant Classification Criteria Version 2. Collection method: clinical testing. Allele origin: germline. Affected: yes. Observed: 1 variant allele.
Comment: SCAF4: BP4, BP7

NM_020706.2(SCAF4):c.1047A>G (p.Gln349=)

Gene: SCAF4 (SR-related CTD associated factor 4; minus strand). Cytogenetic location: 21q22.11.
Variant type: single nucleotide variant.
Coding change: c.1047A>G on transcript NM_020706.2 (MANE Select); coding-DNA position 1047, A replaced by G.
Protein change: p.Gln349=; no amino-acid change (glutamine 349 retained).
Molecular consequence: synonymous variant.
Genome position (GRCh38, 1-based): chr21:31,696,134, T>C on the plus strand (A>G on the coding strand, the complement: SCAF4 is on the minus strand). VCF-style: chr21-31696134-T-C. GRCh37 (hg19) VCF-style: chr21-33068447-T-C.
Other names: c.1002A>G, p.Gln334= (NM_001145444.1); c.1047A>G, p.Gln349= (NM_001145445.1).
Identifiers: ClinVar variation 5040878 (VCV005040878.1).